The following is an entry in ClinVar:

ClinVar aggregate classification (germline): Uncertain significance. Review status: criteria provided, multiple submitters, no conflicts (2 of 4 stars). 6 submissions from 6 submitters: Uncertain significance (6). Last evaluated 2026-01-14.

Conditions:
Intellectual disability, autosomal dominant 16 (CSS4). Also called: COFFIN-SIRIS SYNDROME 4. Identifiers: Orphanet 1465, MedGen C3553249, MONDO:0013821, OMIM 614609.
Rhabdoid tumor predisposition syndrome 2 (RTPS2). Identifiers: Orphanet 231108, Orphanet 69077, MedGen C2750074, MONDO:0013224, OMIM 613325.
Hereditary cancer-predisposing syndrome. Also called: Tumor predisposition; Hereditary Cancer Syndrome; Hereditary neoplastic syndrome; Neoplastic Syndromes, Hereditary. Identifiers: Orphanet 140162, MedGen C0027672, MeSH D009386, MONDO:0015356.

gnomAD v4.1: 1 of 1,614,122 alleles (0.000062%); highest among the groups gnomAD compares: Admixed American, 0.0017%; no homozygotes.

Submissions (6):

Labcorp Genetics (formerly Invitae), Labcorp
Classification: Uncertain significance for Rhabdoid tumor predisposition syndrome 2. Last evaluated: 2026-01-14. Review status: criteria provided, single submitter. Criteria: Invitae Variant Classification Sherloc (09022015). Collection method: clinical testing. Allele origin: germline.
Comment: This sequence change replaces arginine, which is basic and polar, with histidine, which is basic and polar, at codon 801 of the SMARCA4 protein (p.Arg801His). This variant is not present in population databases (gnomAD no frequency). This variant has not been reported in the literature in individuals affected with SMARCA4-related conditions. ClinVar contains an entry for this variant (Variation ID: 579698). Invitae Evidence Modeling of protein sequence and biophysical properties (such as structural, functional, and spatial information, amino acid conservation, physicochemical variation, residue mobility, and thermodynamic stability) has been performed for this missense variant. However, the output from this modeling did not meet the statistical confidence thresholds required to predict the impact of this variant on SMARCA4 protein function. In summary, the available evidence is currently insufficient to determine the role of this variant in disease. Therefore, it has been classified as a Variant of Uncertain Significance.

Quest Diagnostics Nichols Institute San Juan Capistrano
Classification: Uncertain significance. Last evaluated: 2025-06-23. Review status: criteria provided, single submitter. Criteria: Quest Diagnostics criteria. Collection method: clinical testing. Allele origin: unknown.
Comment: The SMARCA4 c.2402G>A (p.Arg801His) variant has not been reported in individuals with SMARCA4-related conditions in the published literature. It also has not been reported in large, multi-ethnic general populations (Genome Aggregation Database). Analysis of this variant using bioinformatics tools for the prediction of the effect of amino acid changes on protein structure and function yielded predictions that this variant is damaging. Based on the available information, we are unable to determine the clinical significance of this variant.

Ambry Genetics
Classification: Uncertain significance for Hereditary cancer-predisposing syndrome. Last evaluated: 2025-03-06. Review status: criteria provided, single submitter. Criteria: Ambry Variant Classification Scheme 2023. Collection method: clinical testing. Allele origin: germline.
Comment: The p.R801H variant (also known as c.2402G>A), located in coding exon 15 of the SMARCA4 gene, results from a G to A substitution at nucleotide position 2402. The arginine at codon 801 is replaced by histidine, an amino acid with highly similar properties. This amino acid position is highly conserved in available vertebrate species. In addition, this alteration is predicted to be deleterious by in silico analysis. Based on the available evidence, the clinical significance of this variant remains unclear.

CeGaT Center for Human Genetics Tuebingen
Classification: Uncertain significance. Last evaluated: 2024-09-01. Review status: criteria provided, single submitter. Criteria: CeGaT Center For Human Genetics Tuebingen Variant Classification Criteria Version 2. Collection method: clinical testing. Allele origin: germline. Affected: yes. Observed: 1 variant allele.
Comment: SMARCA4: PM2:Supporting, PP2, PP3

GeneDx
Classification: Uncertain significance. Last evaluated: 2023-12-06. Review status: criteria provided, single submitter. Criteria: GeneDx Variant Classification Process June 2021. Collection method: clinical testing. Allele origin: germline.
Comment: Has not been reported previously as a germline pathogenic variant, nor as a benign variant, to our knowledge; In silico analysis supports that this missense variant has a deleterious effect on protein structure/function; Not observed at significant frequency in large population cohorts (gnomAD); This variant is associated with the following publications: (PMID: 30543347, 24658002)

Genome-Nilou Lab
Classification: Uncertain significance for Intellectual disability, autosomal dominant 16. Last evaluated: 2021-07-15. Review status: criteria provided, single submitter. Criteria: ACMG Guidelines, 2015. Collection method: clinical testing. Allele origin: germline. Affected: no.

Literature cited by the submitters: PubMed 33144586 (cited by Quest Diagnostics Nichols Institute San Juan Capistrano).

NM_003072.5(SMARCA4):c.2402G>A (p.Arg801His)

Gene: SMARCA4 (SWI/SNF related BAF chromatin remodeling complex subunit ATPase 4; plus strand). Cytogenetic location: 19p13.2.
Variant type: single nucleotide variant.
Coding change: c.2402G>A on transcript NM_003072.5 (MANE Select); coding-DNA position 2402, G replaced by A.
Protein change: p.Arg801His; replaces arginine 801 with histidine.
Molecular consequence: missense variant. On other transcripts: non-coding transcript variant (1).
Genome position (GRCh38, 1-based): chr19:11,013,076, G>A. VCF-style: chr19-11013076-G-A. GRCh37 (hg19) VCF-style: chr19-11123752-G-A.
Other names: c.2402G>A, p.Arg801His (NM_001128844.3, NM_001128845.2, NM_001128846.2 and 5 more transcripts); short protein forms R801H.
Identifiers: ClinVar variation 579698 (VCV000579698.36), dbSNP rs1568471266, ClinGen allele CA404053288.